The following is an entry in ClinVar:

ClinVar aggregate classification (germline): Uncertain significance (1 of 4 stars; one submission).

Allele frequency attached by ClinVar (database versions not stated): gnomAD exomes below 0.00001; TOPMed below 0.00001; ExAC 0.00001.

Submission:

Labcorp Genetics (formerly Invitae), Labcorp
Classification: Uncertain significance. Last evaluated: 2022-06-27. Review status: criteria provided, single submitter. Criteria: Invitae Variant Classification Sherloc (09022015). Collection method: clinical testing. Allele origin: germline.
Comment: This variant has not been reported in the literature in individuals affected with IDH3A-related conditions. ClinVar contains an entry for this variant (Variation ID: 942383). Algorithms developed to predict the effect of missense changes on protein structure and function are either unavailable or do not agree on the potential impact of this missense change (SIFT: "Deleterious"; PolyPhen-2: "Probably Damaging"; Align-GVGD: "Class C0"). In summary, the available evidence is currently insufficient to determine the role of this variant in disease. Therefore, it has been classified as a Variant of Uncertain Significance. This variant is present in population databases (rs753407766, gnomAD 0.003%). This sequence change replaces alanine, which is neutral and non-polar, with proline, which is neutral and non-polar, at codon 57 of the IDH3A protein (p.Ala57Pro).

NM_005530.3(IDH3A):c.169G>C (p.Ala57Pro)

Gene: IDH3A (isocitrate dehydrogenase (NAD(+)) 3 catalytic subunit alpha; plus strand). Cytogenetic location: 15q25.1.
Variant type: single nucleotide variant.
Coding change: c.169G>C on transcript NM_005530.3 (MANE Select); coding-DNA position 169, G replaced by C.
Protein change: p.Ala57Pro; replaces alanine 57 with proline.
Molecular consequence: missense variant.
Genome position (GRCh38, 1-based): chr15:78,157,626, G>C. VCF-style: chr15-78157626-G-C. GRCh37 (hg19) VCF-style: chr15-78449968-G-C.
Other names: short protein forms A57P.
Identifiers: ClinVar variation 942383 (VCV000942383.7), dbSNP rs753407766, ClinGen allele CA7680501.